The following is an entry in ClinVar:

ClinVar aggregate classification (germline): Uncertain significance. Review status: criteria provided, multiple submitters, no conflicts (2 of 4 stars). 2 submissions from 2 submitters: Uncertain significance (2). Last evaluated 2020-10-13.

Conditions:
Hereditary cancer-predisposing syndrome. Also called: Hereditary neoplastic syndrome; Neoplastic Syndromes, Hereditary; Tumor predisposition; Hereditary Cancer Syndrome. Identifiers: Orphanet 140162, MedGen C0027672, MeSH D009386, MONDO:0015356.
Rhabdoid tumor predisposition syndrome 2 (RTPS2). Identifiers: Orphanet 231108, Orphanet 69077, MedGen C2750074, MONDO:0013224, OMIM 613325.

Submissions (2):

Ambry Genetics
Classification: Uncertain significance for Hereditary cancer-predisposing syndrome. Last evaluated: 2020-10-13. Review status: criteria provided, single submitter. Criteria: Ambry Variant Classification Scheme 2023. Collection method: clinical testing. Allele origin: germline.
Comment: The p.A633S variant (also known as c.1897G>T), located in coding exon 11 of the SMARCA4 gene, results from a G to T substitution at nucleotide position 1897. The alanine at codon 633 is replaced by serine, an amino acid with similar properties. This amino acid position is highly conserved in available vertebrate species. In addition, the in silico prediction for this alteration is inconclusive. Since supporting evidence is limited at this time, the clinical significance of this alteration remains unclear.

Labcorp Genetics (formerly Invitae), Labcorp
Classification: Uncertain significance for Rhabdoid tumor predisposition syndrome 2. Last evaluated: 2017-04-12. Review status: criteria provided, single submitter. Criteria: Invitae Variant Classification Sherloc (09022015). Collection method: clinical testing. Allele origin: germline.
Comment: This sequence change replaces alanine with serine at codon 633 of the SMARCA4 protein (p.Ala633Ser). The alanine residue is highly conserved and there is a moderate physicochemical difference between alanine and serine. This variant is not present in population databases (ExAC no frequency) and has not been reported in the literature in individuals with a SMARCA4-related disease. Algorithms developed to predict the effect of missense changes on protein structure and function (SIFT, PolyPhen-2, Align-GVGD) all suggest that this variant is likely to be disruptive, but these predictions have not been confirmed by published functional studies. In summary, this variant is a novel missense change with uncertain impact on protein function. It has been classified as a Variant of Uncertain Significance.

NM_003072.5(SMARCA4):c.1897G>T (p.Ala633Ser)

Gene: SMARCA4 (SWI/SNF related BAF chromatin remodeling complex subunit ATPase 4; plus strand). Cytogenetic location: 19p13.2.
Variant type: single nucleotide variant.
Coding change: c.1897G>T on transcript NM_003072.5 (MANE Select); coding-DNA position 1897, G replaced by T.
Protein change: p.Ala633Ser; replaces alanine 633 with serine.
Molecular consequence: missense variant. On other transcripts: non-coding transcript variant (1).
Genome position (GRCh38, 1-based): chr19:11,003,113, G>T. VCF-style: chr19-11003113-G-T. GRCh37 (hg19) VCF-style: chr19-11113789-G-T.
Other names: c.1897G>T, p.Ala633Ser (NM_001128844.3, NM_001128845.2, NM_001128846.2 and 5 more transcripts); short protein forms A633S.
Identifiers: ClinVar variation 470267 (VCV000470267.11), dbSNP rs1555768376, ClinGen allele CA404051629.
Genomic context (GRCh38, chr19:11,003,113, plus strand): 5'-AGCGACCTCCCGGTGAAGGTGATCCACGTGGAGAGTGGGAAGATCCTCACAGGCACAGAT[G>T]CCCCCAAAGCCGGGCAGCTGGAGGCCTGGCTCGAGATGAACCCGGGGTGAGTTGGGCCTT-3'
Protein context (NP_003063.2, residues 623-643): ESGKILTGTD[Ala633Ser]PKAGQLEAWL